The following is an entry in ClinVar:

NM_000295.5(SERPINA1):c.787del (p.Val263fs)

Gene: SERPINA1 (serpin family A member 1; minus strand). Cytogenetic location: 14q32.13.
Variant type: Deletion.
Coding change: c.787del on transcript NM_000295.5 (MANE Select); coding-DNA position 787, one base deleted (G; older notation c.787delG).
Protein change: p.Val263fs; shifts the reading frame from valine 263.
Molecular consequence: frameshift variant.
Genome position (GRCh38, 1-based): chr14:94,381,001, C deleted on the plus strand (G on the coding strand, the reverse complement: SERPINA1 is on the minus strand); the first of 3 consecutive C bases (chr14:94,381,001-94,381,003); deleting any one gives the same sequence. VCF-style (leftmost placement, unchanged base first): chr14-94381000-AC-A. GRCh37 (hg19) VCF-style: chr14-94847337-AC-A.
Other names: c.787del, p.Val263fs (NM_001002235.3, NM_001002236.3, NM_001127700.2 and 7 more transcripts); short protein forms V263fs.
Identifiers: ClinVar variation 1460301 (VCV001460301.6), dbSNP rs1200349975, ClinGen allele CA616114856.
Genomic context (GRCh38, chr14:94,381,000, plus strand): 5'-TTCCCCTCATCAGGCAGGAAGAAGATGGCGGTGGCATTGCCCAGGTATTTCATCAGCAGC[AC>A]CCAGCTGGACAGCTTCTTACAGTGCTGGATGTTAAACATGCCTAAACGCTTCATCATAGG-3'

ClinVar aggregate classification (germline): Pathogenic (1 of 4 stars; one submission).

Conditions:
Alpha-1-antitrypsin deficiency (A1ATD). Also called: AAT deficiency; A1AT deficiency; Alpha1-Antitrypsin Deficiency. Identifiers: Orphanet 60, MedGen C0221757, MONDO:0013282, OMIM 613490.

Submission:

Labcorp Genetics (formerly Invitae), Labcorp
Classification: Pathogenic for Alpha-1-antitrypsin deficiency. Last evaluated: 2023-08-19. Review status: criteria provided, single submitter. Criteria: Invitae Variant Classification Sherloc (09022015). Collection method: clinical testing. Allele origin: germline.
Comment: This sequence change creates a premature translational stop signal (p.Val263Cysfs*3) in the SERPINA1 gene. It is expected to result in an absent or disrupted protein product. Loss-of-function variants in SERPINA1 are known to be pathogenic (PMID: 25425243). This variant is present in population databases (no rsID available, gnomAD 0.007%). This premature translational stop signal has been observed in individual(s) with emphysema (PMID: 25425243). ClinVar contains an entry for this variant (Variation ID: 1460301). For these reasons, this variant has been classified as Pathogenic.

Literature cited by the submitters: PubMed 25425243.